The following is an entry in ClinVar:

ClinVar aggregate classification (germline): Uncertain significance (1 of 4 stars; one submission).

gnomAD v4.1: 1 of 1,613,960 alleles (0.000062%); highest among the groups gnomAD compares: Non-Finnish European, 0.000085%; no homozygotes.

Submission:

Labcorp Genetics (formerly Invitae), Labcorp
Classification: Uncertain significance. Last evaluated: 2025-09-29. Review status: criteria provided, single submitter. Criteria: Invitae Variant Classification Sherloc (09022015). Collection method: clinical testing. Allele origin: germline.
Comment: This sequence change replaces isoleucine, which is neutral and non-polar, with asparagine, which is neutral and polar, at codon 91 of the CASQ1 protein (p.Ile91Asn). This variant is not present in population databases (gnomAD no frequency). This variant has not been reported in the literature in individuals affected with CASQ1-related conditions. ClinVar contains an entry for this variant (Variation ID: 3710127). An algorithm developed to predict the effect of missense changes on protein structure and function (PolyPhen-2) suggests that this variant is likely to be disruptive. In summary, the available evidence is currently insufficient to determine the role of this variant in disease. Therefore, it has been classified as a Variant of Uncertain Significance.

NM_001231.5(CASQ1):c.272T>A (p.Ile91Asn)

Gene: CASQ1 (calsequestrin 1; plus strand). Cytogenetic location: 1q23.2.
Variant type: single nucleotide variant.
Coding change: c.272T>A on transcript NM_001231.5 (MANE Select); coding-DNA position 272, T replaced by A.
Protein change: p.Ile91Asn; replaces isoleucine 91 with asparagine.
Molecular consequence: missense variant.
Genome position (GRCh38, 1-based): chr1:160,191,023, T>A. VCF-style: chr1-160191023-T-A. GRCh37 (hg19) VCF-style: chr1-160160813-T-A.
Other names: short protein forms I91N.
Identifiers: ClinVar variation 3710127 (VCV003710127.2).